The following is an entry in ClinVar:

NM_007103.4(NDUFV1):c.499del (p.Ser167fs)

Gene: NDUFV1 (NADH:ubiquinone oxidoreductase core subunit V1; plus strand). Cytogenetic location: 11q13.2.
Variant type: Deletion.
Coding change: c.499del on transcript NM_007103.4 (MANE Select); coding-DNA position 499, one base deleted (T; older notation c.499delT).
Protein change: p.Ser167fs; shifts the reading frame from serine 167.
Molecular consequence: frameshift variant.
Genome position (GRCh38, 1-based): chr11:67,609,624, T deleted. VCF-style (leftmost placement, unchanged base first): chr11-67609623-CT-C. GRCh37 (hg19) VCF-style: chr11-67377094-CT-C.
Other names: c.472del, p.Ser158fs (NM_001166102.2); c.499delT (NM_007103.4); short protein forms S158fs, S167fs.
Identifiers: ClinVar variation 2637752 (VCV002637752.1), dbSNP rs1854876433, ClinGen allele CA939065669.
Genomic context (GRCh38, chr11:67,609,623, plus strand): 5'-CCGGGCCATGGGCGCCCGCGCTGCCTATATCTACATCCGAGGGGAATTCTACAATGAGGC[CT>C]CCAATCTGCAGGTGGGTAGGGAGAGATGTAGACAGATGAGAAGGTGTTCAGTGTGCACTC-3'

ClinVar aggregate classification (germline): Pathogenic (1 of 4 stars; one submission).

Conditions:
Leigh syndrome (NULS). Also called: Leigh's syndrome; Leigh Disease; LEIGH SYNDROME, NUCLEAR; Subacute necrotizing encephalopathy; Necrotizing encephalopathy infantile subacute of Leigh; Leigh's necrotizing encephalopathy. Identifiers: Orphanet 506, MedGen C2931891, MONDO:0009723, OMIM 256000.

Allele frequency attached by ClinVar (database versions not stated): gnomAD 0.00001.

Submission:

Women's Health and Genetics/Laboratory Corporation of America, LabCorp
Classification: Pathogenic for Leigh syndrome. Last evaluated: 2023-10-16. Review status: criteria provided, single submitter. Criteria: LabCorp Variant Classification Summary - May 2015. Collection method: clinical testing. Allele origin: germline.
Comment: Variant summary: NDUFV1 c.499delT (p.Ser167ProfsX15) results in a premature termination codon, predicted to cause a truncation of the encoded protein or absence of the protein due to nonsense mediated decay, which are commonly known mechanisms for disease. Variants downstream of this position have been classified as pathogenic by our laboratory. The variant was absent in 242734 control chromosomes (gnomAD). c.499delT has been reported in the literature in at-least one individual affected with mitochondrial disorder with a family history for Leigh Syndrome (example: Lieber_2013). These data do not allow any conclusion about variant significance. To our knowledge, no experimental evidence demonstrating an impact on protein function has been reported. The following publication has been ascertained in the context of this evaluation (PMID: 23596069). No submitters have cited clinical-significance assessments for this variant to ClinVar after 2014. Based on the evidence outlined above, the variant was classified as pathogenic.

Literature cited by the submitters: PubMed 23596069.